The following is an entry in ClinVar:

ClinVar aggregate classification (germline): Uncertain significance. Review status: criteria provided, multiple submitters, no conflicts (2 of 4 stars). 2 submissions from 2 submitters: Uncertain significance (2). Last evaluated 2024-06-21.

Conditions:
Bethlem myopathy 1A. Also called: Bethlem myopathy 1; MYOPATHY, BENIGN CONGENITAL, WITH CONTRACTURES; Bethlem Muscular Dystrophy. Identifiers: Orphanet 610, MedGen CN029274, MONDO:0024530, OMIM 158810.

Submissions (2):

Labcorp Genetics (formerly Invitae), Labcorp
Classification: Uncertain significance for Bethlem myopathy 1A. Last evaluated: 2024-06-21. Review status: criteria provided, single submitter. Criteria: Invitae Variant Classification Sherloc (09022015). Collection method: clinical testing. Allele origin: germline.
Comment: This sequence change replaces methionine, which is neutral and non-polar, with valine, which is neutral and non-polar, at codon 1086 of the COL6A3 protein (p.Met1086Val). This variant is not present in population databases (gnomAD no frequency). This variant has not been reported in the literature in individuals affected with COL6A3-related conditions. ClinVar contains an entry for this variant (Variation ID: 594028). Advanced modeling of protein sequence and biophysical properties (such as structural, functional, and spatial information, amino acid conservation, physicochemical variation, residue mobility, and thermodynamic stability) performed at Invitae indicates that this missense variant is not expected to disrupt COL6A3 protein function with a negative predictive value of 80%. In summary, the available evidence is currently insufficient to determine the role of this variant in disease. Therefore, it has been classified as a Variant of Uncertain Significance.

Eurofins Ntd Llc (ga)
Classification: Uncertain significance. Last evaluated: 2017-09-14. Review status: criteria provided, single submitter. Criteria: EGL Classification Definitions 2015. Collection method: clinical testing. Allele origin: germline. Observed: 1 variant allele, 1 heterozygote.

NM_004369.4(COL6A3):c.3256A>G (p.Met1086Val)

Gene: COL6A3 (collagen type VI alpha 3 chain; minus strand). Cytogenetic location: 2q37.3.
Variant type: single nucleotide variant.
Coding change: c.3256A>G on transcript NM_004369.4 (MANE Select); coding-DNA position 3256, A replaced by G.
Protein change: p.Met1086Val; replaces methionine 1086 with valine.
Molecular consequence: missense variant.
Genome position (GRCh38, 1-based): chr2:237,374,835, T>C on the plus strand (A>G on the coding strand, the complement: COL6A3 is on the minus strand). VCF-style: chr2-237374835-T-C. GRCh37 (hg19) VCF-style: chr2-238283478-T-C.
Other names: c.2035A>G, p.Met679Val (NM_057164.5); c.2638A>G, p.Met880Val (NM_057165.5, NM_057167.4); c.1435A>G, p.Met479Val (NM_057166.5); short protein forms M1086V, M679V, M880V, M479V.
Identifiers: ClinVar variation 594028 (VCV000594028.7), dbSNP rs1559250887, ClinGen allele CA351204167.